The following is an entry in ClinVar:

ClinVar aggregate classification (germline): Conflicting classifications of pathogenicity. Review status: criteria provided, conflicting classifications (1 of 4 stars). 3 submissions from 3 submitters: Uncertain significance (1); Likely benign (2). Last evaluated 2025-01-17.

Conditions:
Gorlin syndrome. Also called: Nevoid Basal Cell Carcinoma Syndrome; Basal cell nevus syndrome. Identifiers: Orphanet 377, MedGen C0004779, MONDO:0007187.
Basal cell nevus syndrome 1 (BCNS1). Also called: GORLIN-GOLTZ SYNDROME; MULTIPLE BASAL CELL NEVI, ODONTOGENIC KERATOCYSTS, AND SKELETAL ANOMALIES. Identifiers: MedGen CN376810, MONDO:0958174, OMIM 109400.

Allele frequency attached by ClinVar (database versions not stated): gnomAD exomes 0.00014 and 0.00016; ExAC 0.00017; gnomAD 0.00027 and 0.00028; TOPMed 0.00027; ESP Exome Variant Server 0.00031; 1000 Genomes Project 30x 0.00094; 1000 Genomes Project 0.00100.
gnomAD v4.1: 254 of 1,613,530 alleles (0.016%); highest among the groups gnomAD compares: African/African-American, 0.049%; no homozygotes.

Submissions (3):

Labcorp Genetics (formerly Invitae), Labcorp
Classification: Likely benign for Gorlin syndrome. Last evaluated: 2025-01-17. Review status: criteria provided, single submitter. Criteria: Invitae Variant Classification Sherloc (09022015). Collection method: clinical testing. Allele origin: germline.

St. Jude Molecular Pathology, St. Jude Children's Research Hospital
Classification: Likely benign for Basal cell nevus syndrome 1. Last evaluated: 2024-10-28. Review status: criteria provided, single submitter. Criteria: St. Jude Assertion Criteria 2020. Collection method: clinical testing. Allele origin: germline.
Comment: The PTCH2 c.2902G>A (p.Val968Ile) missense change has a maximum subpopulation frequency of 0.073% in gnomAD v2.1.1. This is higher than the expected frequency of a disease-associated variant. The in silico tool REVEL predicts a benign effect on protein function, but to our knowledge this prediction has not been confirmed by functional studies. To our knowledge, this variant has not been reported in individuals with nevoid basal cell carcinoma syndrome. In summary, this variant meets criteria to be classified as likely benign.

Baylor Genetics
Classification: Uncertain significance for Basal cell nevus syndrome 1. Last evaluated: 2019-03-19. Review status: criteria provided, single submitter. Criteria: ACMG Guidelines, 2015. Collection method: clinical testing. Allele origin: paternal. Affected: yes. Study: CSER-TexasKidsCanSeq.
Comment: This variant was determined to be of uncertain significance according to ACMG Guidelines, 2015 [PMID:25741868].

NM_003738.5(PTCH2):c.2902G>A (p.Val968Ile)

Gene: PTCH2 (patched 2; minus strand). Cytogenetic location: 1p34.1.
Variant type: single nucleotide variant.
Coding change: c.2902G>A on transcript NM_003738.5 (MANE Select); coding-DNA position 2902, G replaced by A.
Protein change: p.Val968Ile; replaces valine 968 with isoleucine.
Molecular consequence: missense variant.
Genome position (GRCh38, 1-based): chr1:44,826,562, C>T on the plus strand (G>A on the coding strand, the complement: PTCH2 is on the minus strand). VCF-style: chr1-44826562-C-T. GRCh37 (hg19) VCF-style: chr1-45292234-C-T.
Other names: c.2902G>A, p.Val968Ile (NM_001166292.2); short protein forms V968I.
Identifiers: ClinVar variation 696432 (VCV000696432.14), dbSNP rs200873074, ClinGen allele CA822862.